The following is an entry in ClinVar:

ClinVar aggregate classification (germline): Likely benign (1 of 4 stars; one submission).

Allele frequency attached by ClinVar (database versions not stated): gnomAD 0.00005; gnomAD exomes 0.00005; TOPMed 0.00005.
gnomAD v4.1: 81 of 1,595,498 alleles (0.0051%); highest among the groups gnomAD compares: Non-Finnish European, 0.006%; no homozygotes.

Submission:

CeGaT Center for Human Genetics Tuebingen
Classification: Likely benign. Last evaluated: 2022-08-01. Review status: criteria provided, single submitter. Criteria: CeGaT Center For Human Genetics Tuebingen Variant Classification Criteria Version 2. Collection method: clinical testing. Allele origin: germline. Affected: yes. Observed: 1 variant allele.
Comment: ABCA7: BP4, BP7

NM_019112.4(ABCA7):c.1575C>T (p.Ala525=)

Gene: ABCA7 (ATP binding cassette subfamily A member 7; plus strand). Cytogenetic location: 19p13.3.
Variant type: single nucleotide variant.
Coding change: c.1575C>T on transcript NM_019112.4 (MANE Select); coding-DNA position 1575, C replaced by T.
Protein change: p.Ala525=; no amino-acid change (alanine 525 retained).
Molecular consequence: synonymous variant.
Genome position (GRCh38, 1-based): chr19:1,046,359, C>T. VCF-style: chr19-1046359-C-T. GRCh37 (hg19) VCF-style: chr19-1046358-C-T.
Identifiers: ClinVar variation 2648889 (VCV002648889.24), dbSNP rs984215010, ClinGen allele CA303994410.
Genomic context (GRCh38, chr19:1,046,359, plus strand): 5'-CCTGCAAGACCTGGTGGAGCGTGCAGCCGTCCGCGTGCTCAGCGGCGCCAACCCCCGGGC[C>T]GGCCTCTACCTGCAGCAGATGCCCTATCCGTGCTATGTGGACGACGTGTGAGCTCTGGCA-3'
Protein context (NP_061985.2, residues 515-535): VRVLSGANPR[Ala525=]GLYLQQMPYP